The following is an entry in ClinVar:

ClinVar aggregate classification (germline): Uncertain significance (1 of 4 stars; one submission).

gnomAD v4.1: 4 of 1,612,850 alleles (0.00025%); highest among the groups gnomAD compares: Non-Finnish European, 0.00034%; no homozygotes.

Submission:

Ambry Genetics
Classification: Uncertain significance. Last evaluated: 2025-05-27. Review status: criteria provided, single submitter. Criteria: Ambry Variant Classification Scheme 2023. Collection method: clinical testing. Allele origin: germline.
Comment: The p.E143K variant (also known as c.427G>A), located in coding exon 3 of the RNF43 gene, results from a G to A substitution at nucleotide position 427. The glutamic acid at codon 143 is replaced by lysine, an amino acid with similar properties. This amino acid position is conserved. In addition, this alteration is predicted to be tolerated by in silico analysis. Based on the available evidence, the clinical significance of this variant remains unclear.

NM_017763.6(RNF43):c.427G>A (p.Glu143Lys)

Gene: RNF43 (ring finger protein 43; minus strand). Cytogenetic location: 17q22.
Variant type: single nucleotide variant.
Coding change: c.427G>A on transcript NM_017763.6 (MANE Select); coding-DNA position 427, G replaced by A.
Protein change: p.Glu143Lys; replaces glutamic acid 143 with lysine.
Molecular consequence: missense variant.
Genome position (GRCh38, 1-based): chr17:58,363,549, C>T on the plus strand (G>A on the coding strand, the complement: RNF43 is on the minus strand). VCF-style: chr17-58363549-C-T. GRCh37 (hg19) VCF-style: chr17-56440910-C-T.
Other names: c.427G>A, p.Glu143Lys (NM_001305544.3); c.46G>A, p.Glu16Lys (NM_001305545.2); short protein forms E143K, E16K.
Identifiers: ClinVar variation 3946917 (VCV003946917.1).